The following is an entry in ClinVar:

ClinVar aggregate classification (germline): Likely benign (0 of 4 stars; one submission).

Allele frequency attached by ClinVar (database versions not stated): 1000 Genomes Project 30x 0.00016; 1000 Genomes Project 0.00020; gnomAD 0.00039 and 0.00046; TOPMed 0.00039; gnomAD exomes 0.00048 and 0.00078; ExAC 0.00077; ESP Exome Variant Server 0.00008.
gnomAD v4.1: 802 of 1,613,802 alleles (0.05%); highest among the groups gnomAD compares: Middle Eastern, 0.46%; 6 homozygotes.

Submission:

Department of Pathology and Laboratory Medicine, Sinai Health System
Classification: Likely benign. Review status: no assertion criteria provided. Collection method: clinical testing. Allele origin: unknown. Affected: yes. Study: The Canadian Open Genetics Repository (COGR).
Comment: The POLQ p.Val1268Ile variant was not identified in the literature nor was it identified in ClinVar, Cosmic or LOVD 3.0. The variant was identified in dbSNP (ID: rs142531238) and in control databases in 209 of 282410 chromosomes (4 homozygous) at a frequency of 0.00074 increasing the likelihood this could be a low frequency benign variant (Genome Aggregation Database Feb 27, 2017). The variant was observed in the following populations: South Asian in 111 of 30606 chromosomes (freq: 0.003627), Ashkenazi Jewish in 7 of 10360 chromosomes (freq: 0.000676), European (non-Finnish) in 73 of 128820 chromosomes (freq: 0.000567), Latino in 16 of 35418 chromosomes (freq: 0.000452) and Other in 2 of 7208 chromosomes (freq: 0.000278), it was not observed in the African, East Asian or European (Finnish) populations. The p.Val1268 residue is not conserved in mammals and computational analyses (PolyPhen-2, SIFT, AlignGVGD, BLOSUM, MutationTaster) do not suggest a high likelihood of impact to the protein; however, this information is not predictive enough to rule out pathogenicity. The variant occurs outside of the splicing consensus sequence and in silico or computational prediction software programs (SpliceSiteFinder, MaxEntScan, NNSPLICE, GeneSplicer) do not predict a difference in splicing at the variant location. In summary, based on the above information the clinical significance of this variant cannot be determined with certainty at this time although we would lean towards a more benign role for this variant. This variant is classified as likely benign.

NM_199420.4(POLQ):c.3802G>A (p.Val1268Ile)

Gene: POLQ (DNA polymerase theta; minus strand). Cytogenetic location: 3q13.33.
Variant type: single nucleotide variant.
Coding change: c.3802G>A on transcript NM_199420.4 (MANE Select); coding-DNA position 3802, G replaced by A.
Protein change: p.Val1268Ile; replaces valine 1268 with isoleucine.
Molecular consequence: missense variant.
Genome position (GRCh38, 1-based): chr3:121,489,129, C>T on the plus strand (G>A on the coding strand, the complement: POLQ is on the minus strand). VCF-style: chr3-121489129-C-T. GRCh37 (hg19) VCF-style: chr3-121207976-C-T.
Other names: short protein forms V1268I.
Identifiers: ClinVar variation 1050266 (VCV001050266.1), dbSNP rs142531238, ClinGen allele CA2563004.